The following is an entry in ClinVar:

ClinVar aggregate classification (germline): Conflicting classifications of pathogenicity. Review status: criteria provided, conflicting classifications (1 of 4 stars). 4 submissions from 4 submitters: Uncertain significance (1); Benign (1); Likely benign (1). 1 of the submissions does not count toward it. Last evaluated 2026-01-01.

Conditions:
SH3PXD2B-related disorder. Also called: SH3PXD2B-related condition.
Frank-Ter Haar syndrome. Also called: BORRONE DERMATOCARDIOSKELETAL SYNDROME; TER HAAR SYNDROME; MELNICK-NEEDLES SYNDROME, AUTOSOMAL RECESSIVE; Borrone di Rocco Crovato syndrome. Identifiers: Orphanet 1266, Orphanet 137834, MedGen C1855305, MONDO:0009579, OMIM 249420.

Allele frequency attached by ClinVar (database versions not stated): gnomAD exomes 0.00010 and 0.00022; gnomAD 0.00011; ESP Exome Variant Server 0.00015; TOPMed 0.00015; ExAC 0.00017.

Submissions (4):

CeGaT Center for Human Genetics Tuebingen
Classification: Likely benign. Last evaluated: 2026-01-01. Review status: criteria provided, single submitter. Criteria: CeGaT Center For Human Genetics Tuebingen Variant Classification Criteria Version 2. Collection method: clinical testing. Allele origin: germline. Affected: yes. Observed: 1 variant allele.
Comment: SH3PXD2B: BP4, BP7

Labcorp Genetics (formerly Invitae), Labcorp
Classification: Benign. Last evaluated: 2025-08-17. Review status: criteria provided, single submitter. Criteria: Invitae Variant Classification Sherloc (09022015). Collection method: clinical testing. Allele origin: germline.

Illumina Laboratory Services, Illumina
Classification: Uncertain significance for Frank-Ter Haar syndrome. Last evaluated: 2018-01-12. Review status: criteria provided, single submitter. Criteria: ICSL Variant Classification Criteria 13 December 2019. Collection method: clinical testing. Allele origin: germline.

PreventionGenetics, part of Exact Sciences
Classification: Likely benign for SH3PXD2B-related condition. Last evaluated: 2023-05-26. Review status: no assertion criteria provided. Collection method: clinical testing. Allele origin: germline. Not counted in ClinVar's aggregate classification.
Comment: This variant is classified as likely benign based on ACMG/AMP sequence variant interpretation guidelines (Richards et al. 2015 PMID: 25741868, with internal and published modifications).

NM_001017995.3(SH3PXD2B):c.453C>T (p.Pro151=)

Gene: SH3PXD2B (SH3 and PX domains 2B; minus strand). Cytogenetic location: 5q35.1.
Variant type: single nucleotide variant.
Coding change: c.453C>T on transcript NM_001017995.3 (MANE Select); coding-DNA position 453, C replaced by T.
Protein change: p.Pro151=; no amino-acid change (proline 151 retained).
Molecular consequence: synonymous variant.
Genome position (GRCh38, 1-based): chr5:172,362,844, G>A on the plus strand (C>T on the coding strand, the complement: SH3PXD2B is on the minus strand). VCF-style: chr5-172362844-G-A. GRCh37 (hg19) VCF-style: chr5-171789848-G-A.
Other names: c.453C>T, p.Pro151= (NM_001308175.2).
Identifiers: ClinVar variation 352823 (VCV000352823.18), dbSNP rs143060223, ClinGen allele CA3561529.